The following is an entry in ClinVar:

ClinVar aggregate classification (germline): Likely benign. Review status: criteria provided, multiple submitters, no conflicts (2 of 4 stars). 2 submissions from 2 submitters: Likely benign (2). Last evaluated 2024-11-11.

Conditions:
Intellectual developmental disorder, autosomal dominant 1. Also called: Intellectual disability, autosomal dominant 1; MBD5 Haploinsufficiency. Identifiers: Orphanet 228402, MedGen C1969562, MONDO:0007974, OMIM 156200.

Allele frequency attached by ClinVar (database versions not stated): gnomAD 0.00001; ExAC 0.00003; TOPMed below 0.00001; gnomAD exomes 0.00002.
gnomAD v4.1: 16 of 1,613,910 alleles (0.00099%); highest among the groups gnomAD compares: South Asian, 0.0044%; no homozygotes.

Submissions (2):

Labcorp Genetics (formerly Invitae), Labcorp
Classification: Likely benign for Intellectual developmental disorder, autosomal dominant 1. Last evaluated: 2024-11-11. Review status: criteria provided, single submitter. Criteria: Invitae Variant Classification Sherloc (09022015). Collection method: clinical testing. Allele origin: germline.

CeGaT Center for Human Genetics Tuebingen
Classification: Likely benign. Last evaluated: 2024-02-01. Review status: criteria provided, single submitter. Criteria: CeGaT Center For Human Genetics Tuebingen Variant Classification Criteria Version 2. Collection method: clinical testing. Allele origin: germline. Affected: yes. Observed: 1 variant allele.
Comment: MBD5: BP4, BP7

NM_001378120.1(MBD5):c.4971C>T (p.Pro1657=)

Gene: MBD5 (methyl-CpG binding domain protein 5; plus strand). Cytogenetic location: 2q23.1.
Variant type: single nucleotide variant.
Coding change: c.4971C>T on transcript NM_001378120.1 (MANE Select); coding-DNA position 4971, C replaced by T.
Protein change: p.Pro1657=; no amino-acid change (proline 1657 retained).
Molecular consequence: synonymous variant.
Genome position (GRCh38, 1-based): chr2:148,502,444, C>T. VCF-style: chr2-148502444-C-T. GRCh37 (hg19) VCF-style: chr2-149260013-C-T.
Other names: c.4272C>T, p.Pro1424= (NM_018328.5).
Identifiers: ClinVar variation 1118369 (VCV001118369.31), dbSNP rs761003936, ClinGen allele CA1900510.